The following is an entry in ClinVar:

ClinVar aggregate classification (germline): Uncertain significance (1 of 4 stars; one submission).

Submission:

Labcorp Genetics (formerly Invitae), Labcorp
Classification: Uncertain significance. Last evaluated: 2025-07-30. Review status: criteria provided, single submitter. Criteria: Invitae Variant Classification Sherloc (09022015). Collection method: clinical testing. Allele origin: germline.
Comment: This sequence change replaces lysine, which is basic and polar, with glutamine, which is neutral and polar, at codon 287 of the COL2A1 protein (p.Lys287Gln). This variant is not present in population databases (gnomAD no frequency). This variant has not been reported in the literature in individuals affected with COL2A1-related conditions. Invitae Evidence Modeling of protein sequence and biophysical properties (such as structural, functional, and spatial information, amino acid conservation, physicochemical variation, residue mobility, and thermodynamic stability) indicates that this missense variant is not expected to disrupt COL2A1 protein function with a negative predictive value of 95%. In summary, the available evidence is currently insufficient to determine the role of this variant in disease. Therefore, it has been classified as a Variant of Uncertain Significance.

NM_001844.5(COL2A1):c.859A>C (p.Lys287Gln)

Gene: COL2A1 (collagen type II alpha 1 chain; minus strand). Cytogenetic location: 12q13.11.
Variant type: single nucleotide variant.
Coding change: c.859A>C on transcript NM_001844.5 (MANE Select); coding-DNA position 859, A replaced by C.
Protein change: p.Lys287Gln; replaces lysine 287 with glutamine.
Molecular consequence: missense variant.
Genome position (GRCh38, 1-based): chr12:47,994,005, T>G on the plus strand (A>C on the coding strand, the complement: COL2A1 is on the minus strand). VCF-style: chr12-47994005-T-G. GRCh37 (hg19) VCF-style: chr12-48387788-T-G.
Other names: c.652A>C, p.Lys218Gln (NM_033150.3); short protein forms K218Q, K287Q.
Identifiers: ClinVar variation 4747077 (VCV004747077.1).